The following is an entry in ClinVar:

NM_001868.4(CPA1):c.157T>G (p.Trp53Gly)

Gene: CPA1 (carboxypeptidase A1; plus strand). Cytogenetic location: 7q32.2.
Variant type: single nucleotide variant.
Coding change: c.157T>G on transcript NM_001868.4 (MANE Select); coding-DNA position 157, T replaced by G.
Protein change: p.Trp53Gly; replaces tryptophan 53 with glycine.
Molecular consequence: missense variant.
Genome position (GRCh38, 1-based): chr7:130,381,639, T>G. VCF-style: chr7-130381639-T-G. GRCh37 (hg19) VCF-style: chr7-130021480-T-G.
Other names: c.157T>G (NM_001868.2); short protein forms W53G.
Identifiers: ClinVar variation 1949189 (VCV001949189.6), dbSNP rs2536004947, ClinGen allele CA369279528.
Genomic context (GRCh38, chr7:130,381,639, plus strand): 5'-TGGCTGGTGCCCCCAGCCCGCTGTGACCGTGCCGGCTCTTGTCCTCCCCAGCTGGACTTC[T>G]GGCGGGGGCCTGCCCACCCTGGCTCCCCCATCGACGTCCGAGTGCCCTTCCCCAGCATCC-3'
Protein context (NP_001859.1, residues 43-63): EDLEHLQLDF[Trp53Gly]RGPAHPGSPI

ClinVar aggregate classification (germline): Uncertain significance. Review status: criteria provided, multiple submitters, no conflicts (2 of 4 stars). 2 submissions from 2 submitters: Uncertain significance (2). Last evaluated 2025-05-27.

Conditions:
Hereditary pancreatitis (PCTT). Also called: Hereditary chronic pancreatitis; PRSS1-Related Hereditary Pancreatitis. Identifiers: Orphanet 676, MedGen C0238339, MONDO:0008185, OMIM 167800.

Submissions (2):

Ambry Genetics
Classification: Uncertain significance for Hereditary pancreatitis. Last evaluated: 2025-05-27. Review status: criteria provided, single submitter. Criteria: Ambry Variant Classification Scheme 2023. Collection method: clinical testing. Allele origin: germline.
Comment: The p.W53G variant (also known as c.157T>G), located in coding exon 3 of the CPA1 gene, results from a T to G substitution at nucleotide position 157. The tryptophan at codon 53 is replaced by glycine, an amino acid with highly dissimilar properties. This amino acid position is conserved. In addition, this alteration is predicted to be deleterious by in silico analysis. Based on the available evidence, the clinical significance of this variant remains unclear.

Labcorp Genetics (formerly Invitae), Labcorp
Classification: Uncertain significance. Last evaluated: 2022-10-22. Review status: criteria provided, single submitter. Criteria: Invitae Variant Classification Sherloc (09022015). Collection method: clinical testing. Allele origin: germline.
Comment: In summary, the available evidence is currently insufficient to determine the role of this variant in disease. Therefore, it has been classified as a Variant of Uncertain Significance. Algorithms developed to predict the effect of missense changes on protein structure and function (SIFT, PolyPhen-2, Align-GVGD) all suggest that this variant is likely to be disruptive. This variant has not been reported in the literature in individuals affected with CPA1-related conditions. This variant is not present in population databases (gnomAD no frequency). This sequence change replaces tryptophan, which is neutral and slightly polar, with glycine, which is neutral and non-polar, at codon 53 of the CPA1 protein (p.Trp53Gly).